The following is an entry in ClinVar:

ClinVar aggregate classification (germline): Uncertain significance (1 of 4 stars; one submission).

Submission:

Labcorp Genetics (formerly Invitae), Labcorp
Classification: Uncertain significance. Last evaluated: 2023-09-11. Review status: criteria provided, single submitter. Criteria: Invitae Variant Classification Sherloc (09022015). Collection method: clinical testing. Allele origin: germline.
Comment: In summary, the available evidence is currently insufficient to determine the role of this variant in disease. Therefore, it has been classified as a Variant of Uncertain Significance. Algorithms developed to predict the effect of missense changes on protein structure and function output the following: SIFT: "Not Available"; PolyPhen-2: "Benign"; Align-GVGD: "Not Available". The glycine amino acid residue is found in multiple mammalian species, which suggests that this missense change does not adversely affect protein function. This variant has not been reported in the literature in individuals affected with TRAP1-related conditions. This variant is not present in population databases (gnomAD no frequency). This sequence change replaces aspartic acid, which is acidic and polar, with glycine, which is neutral and non-polar, at codon 66 of the TRAP1 protein (p.Asp66Gly).

NM_016292.3(TRAP1):c.197A>G (p.Asp66Gly)

Gene: TRAP1 (TNF receptor associated protein 1; minus strand). Cytogenetic location: 16p13.3.
Variant type: single nucleotide variant.
Coding change: c.197A>G on transcript NM_016292.3 (MANE Select); coding-DNA position 197, A replaced by G.
Protein change: p.Asp66Gly; replaces aspartic acid 66 with glycine.
Molecular consequence: missense variant. On other transcripts: intron variant (1).
Genome position (GRCh38, 1-based): chr16:3,690,877, T>C on the plus strand (A>G on the coding strand, the complement: TRAP1 is on the minus strand). VCF-style: chr16-3690877-T-C. GRCh37 (hg19) VCF-style: chr16-3740878-T-C.
Other names: c.89-1740A>G (NM_001272049.2); short protein forms D66G.
Identifiers: ClinVar variation 2820017 (VCV002820017.3), dbSNP rs2548320913, ClinGen allele CA394572300.
Genomic context (GRCh38, chr16:3,690,877, plus strand): 5'-CCAAGGCTACCCTGCACGCTCTCTGTGCTGCTGATAATCGAGTGCAGGGGTTCCTCCTTG[T>C]CCTCGGCGGTCTGCGTGCTGAACAGTCGTCCTGCCTGCAAGCTCCAGGCTGGGTTTCGCC-3'
Protein context (NP_057376.2, residues 56-76): GRLFSTQTAE[Asp66Gly]KEEPLHSIIS